The following is an entry in ClinVar:

ClinVar aggregate classification (germline): Uncertain significance (1 of 4 stars; one submission).

Conditions:
Inborn genetic diseases. Identifiers: MedGen C0950123, MeSH D030342.

gnomAD v4.1: 2 of 1,613,116 alleles (0.00012%); highest among the groups gnomAD compares: Non-Finnish European, 0.000085%; no homozygotes.

Submission:

Ambry Genetics
Classification: Uncertain significance for Inborn genetic diseases. Last evaluated: 2026-03-12. Review status: criteria provided, single submitter. Criteria: Ambry Variant Classification Scheme 2023. Collection method: clinical testing. Allele origin: germline.
Comment: The p.S36W variant (also known as c.107C>G), located in coding exon 1 of the ANKRD26 gene, results from a C to G substitution at nucleotide position 107. The serine at codon 36 is replaced by tryptophan, an amino acid with highly dissimilar properties. This amino acid position is conserved. In addition, this alteration is predicted to be tolerated by in silico analysis. Based on the available evidence, the clinical significance of this variant remains unclear.

NM_014915.3(ANKRD26):c.107C>G (p.Ser36Trp)

Genes: ANKRD26 (ankyrin repeat domain 26; minus strand), LOC130003554 (ATAC-STARR-seq lymphoblastoid silent region 2243; plus strand). Cytogenetic location: 10p12.1.
Variant type: single nucleotide variant.
Coding change: c.107C>G on transcript NM_014915.3 (MANE Select); coding-DNA position 107, C replaced by G.
Protein change: p.Ser36Trp; replaces serine 36 with tryptophan.
Molecular consequence: missense variant.
Genome position (GRCh38, 1-based): chr10:27,100,220, G>C on the plus strand (C>G on the coding strand, the complement: ANKRD26 is on the minus strand). VCF-style: chr10-27100220-G-C. GRCh37 (hg19) VCF-style: chr10-27389149-G-C.
Other names: c.107C>G, p.Ser36Trp (NM_001256053.2); short protein forms S36W.
Identifiers: ClinVar variation 4826432 (VCV004826432.1).